The following is an entry in ClinVar:

ClinVar aggregate classification (germline): Likely benign. Review status: criteria provided, multiple submitters, no conflicts (2 of 4 stars). 2 submissions from 2 submitters: Likely benign (2). Last evaluated 2024-04-24.

Allele frequency attached by ClinVar (database versions not stated): gnomAD 0.00001; TOPMed 0.00002; ExAC 0.00003.
gnomAD v4.1: 11 of 1,614,046 alleles (0.00068%); highest among the groups gnomAD compares: East Asian, 0.0022%; no homozygotes.

Submissions (2):

Blueprint Genetics
Classification: Likely benign. Last evaluated: 2024-04-24. Review status: criteria provided, single submitter. Criteria: ACMG Guidelines, 2015. Collection method: clinical testing. Allele origin: germline.

CeGaT Center for Human Genetics Tuebingen
Classification: Likely benign. Last evaluated: 2023-04-01. Review status: criteria provided, single submitter. Criteria: CeGaT Center For Human Genetics Tuebingen Variant Classification Criteria Version 2. Collection method: clinical testing. Allele origin: germline. Affected: yes. Observed: 1 variant allele.
Comment: ARID1A: BP4, BP7

NM_006015.6(ARID1A):c.6231C>T (p.Pro2077=)

Gene: ARID1A (AT-rich interaction domain 1A; plus strand). Cytogenetic location: 1p36.11.
Variant type: single nucleotide variant.
Coding change: c.6231C>T on transcript NM_006015.6 (MANE Select); coding-DNA position 6231, C replaced by T.
Protein change: p.Pro2077=; no amino-acid change (proline 2077 retained).
Molecular consequence: synonymous variant.
Genome position (GRCh38, 1-based): chr1:26,780,129, C>T. VCF-style: chr1-26780129-C-T. GRCh37 (hg19) VCF-style: chr1-27106620-C-T.
Other names: c.5580C>T, p.Pro1860= (NM_139135.4).
Identifiers: ClinVar variation 2638546 (VCV002638546.25), dbSNP rs373094718, ClinGen allele CA707812.